The following is an entry in ClinVar:

ClinVar aggregate classification (germline): Uncertain significance. Review status: criteria provided, multiple submitters, no conflicts (2 of 4 stars). 3 submissions from 3 submitters: Uncertain significance (3). Last evaluated 2023-04-01.

Allele frequency attached by ClinVar (database versions not stated): gnomAD exomes below 0.00001 and 0.00001; TOPMed 0.00001.
gnomAD v4.1: 2 of 1,210,879 alleles (0.00017%); highest among the groups gnomAD compares: Non-Finnish European, 0.00011%; no homozygotes.

Submissions (3):

CeGaT Center for Human Genetics Tuebingen
Classification: Uncertain significance. Last evaluated: 2023-04-01. Review status: criteria provided, single submitter. Criteria: CeGaT Center For Human Genetics Tuebingen Variant Classification Criteria Version 2. Collection method: clinical testing. Allele origin: germline. Affected: yes. Observed: 1 variant allele.
Comment: DDX3X: PP2, BP4

Labcorp Genetics (formerly Invitae), Labcorp
Classification: Uncertain significance. Last evaluated: 2022-08-10. Review status: criteria provided, single submitter. Criteria: Invitae Variant Classification Sherloc (09022015). Collection method: clinical testing. Allele origin: germline.
Comment: In summary, the available evidence is currently insufficient to determine the role of this variant in disease. Therefore, it has been classified as a Variant of Uncertain Significance. Algorithms developed to predict the effect of missense changes on protein structure and function are either unavailable or do not agree on the potential impact of this missense change (SIFT: "Tolerated"; PolyPhen-2: "Not Available"; Align-GVGD: "Class C0"). ClinVar contains an entry for this variant (Variation ID: 1305358). This variant has not been reported in the literature in individuals affected with DDX3X-related conditions. This variant is present in population databases (no rsID available, gnomAD 0.001%). This sequence change replaces glycine, which is neutral and non-polar, with serine, which is neutral and polar, at codon 628 of the DDX3X protein (p.Gly628Ser).

GeneDx
Classification: Uncertain significance. Last evaluated: 2019-04-24. Review status: criteria provided, single submitter. Criteria: GeneDx Variant Classification Process June 2021. Collection method: clinical testing. Allele origin: germline. Affected: yes.
Comment: In silico analysis, which includes protein predictors and evolutionary conservation, supports that this variant does not alter protein structure/function; Has not been previously published as pathogenic or benign to our knowledge

NM_001356.5(DDX3X):c.1885G>A (p.Gly629Ser)

Gene: DDX3X (DEAD-box helicase 3 X-linked; plus strand). Cytogenetic location: Xp11.4.
Variant type: single nucleotide variant.
Coding change: c.1885G>A on transcript NM_001356.5 (MANE Select); coding-DNA position 1885, G replaced by A.
Protein change: p.Gly629Ser; replaces glycine 629 with serine.
Molecular consequence: missense variant. On other transcripts: non-coding transcript variant (1).
Genome position (GRCh38, 1-based): chrX:41,347,427, G>A. VCF-style: chrX-41347427-G-A. GRCh37 (hg19) VCF-style: chrX-41206680-G-A.
Other names: c.1882G>A, p.Gly628Ser (NM_001193416.3); c.1837G>A, p.Gly613Ser (NM_001193417.3); c.1324G>A, p.Gly442Ser (NM_001363819.1); short protein forms G442S, G613S, G628S, G629S.
Identifiers: ClinVar variation 1305358 (VCV001305358.33), dbSNP rs1476609971, ClinGen allele CA412779584.